The following is an entry in ClinVar:

NM_001429.4(EP300):c.2983G>T (p.Glu995Ter)

Genes: EP300 (EP300 lysine acetyltransferase; plus strand), LOC126863158 (BRD4-independent group 4 enhancer GRCh37_chr22:41547383-41548582; plus strand). Cytogenetic location: 22q13.2.
Variant type: single nucleotide variant.
Coding change: c.2983G>T on transcript NM_001429.4 (MANE Select); coding-DNA position 2983, G replaced by T.
Protein change: p.Glu995Ter; replaces glutamic acid 995 with a stop codon.
Molecular consequence: nonsense.
Genome position (GRCh38, 1-based): chr22:41,151,998, G>T. VCF-style: chr22-41151998-G-T. GRCh37 (hg19) VCF-style: chr22-41548002-G-T.
Other names: c.2905G>T, p.Glu969Ter (NM_001362843.2); short protein forms E995*, E969*.
Identifiers: ClinVar variation 538873 (VCV000538873.9), dbSNP rs1555909666, ClinGen allele CA411693101.
Genomic context (GRCh38, chr22:41,151,998, plus strand): 5'-GAAGTGAAGATGGAGGCCAAAATGGAAGTGGATCAACCAGAACCAGCAGATACTCAGCCG[G>T]AGGATATTTCAGAGGTGAGAGTAGGGCAATTACTGTTTGATTTGGTTAGGACCTCAGTAT-3'

ClinVar aggregate classification (germline): Pathogenic (1 of 4 stars; one submission).

Conditions:
Rubinstein-Taybi syndrome due to EP300 haploinsufficiency. Also called: RUBINSTEIN-TAYBI SYNDROME 2; EP300-Related Rubinstein-Taybi Syndrome. Identifiers: Orphanet 353284, Orphanet 783, MedGen C3150941, MONDO:0013364, OMIM 613684.

Submission:

Labcorp Genetics (formerly Invitae), Labcorp
Classification: Pathogenic for Rubinstein-Taybi syndrome due to EP300 haploinsufficiency. Last evaluated: 2017-12-24. Review status: criteria provided, single submitter. Criteria: Invitae Variant Classification Sherloc (09022015). Collection method: clinical testing. Allele origin: germline.
Comment: This variant is not present in population databases (ExAC no frequency). This sequence change creates a premature translational stop signal (p.Glu995*) in the EP300 gene. It is expected to result in an absent or disrupted protein product. This variant has not been reported in the literature in individuals with EP300-related disease. For these reasons, this variant has been classified as Pathogenic. Loss-of-function variants in EP300 are known to be pathogenic (PMID: 15706485, 24476420).

Literature cited by the submitters: PubMed 15706485; PubMed 24476420.